The following is an entry in ClinVar:

NC_000022.11:g.(?_28709996)_(28712027_?)del

Gene: CHEK2 (checkpoint kinase 2; minus strand). Cytogenetic location: 22q12.1.
Variant type: Deletion.
Identifiers: ClinVar variation 583816 (VCV000583816.9).

ClinVar aggregate classification (germline): Pathogenic (1 of 4 stars; one submission).

Conditions:
Familial cancer of breast. Also called: Hereditary breast cancer; hereditary breast carcinoma; BREAST CANCER, FAMILIAL. Identifiers: Orphanet 227535, MedGen C0346153, MONDO:0016419, OMIM 114480. Disease mechanism: loss of function.

Submission:

Labcorp Genetics (formerly Invitae), Labcorp
Classification: Pathogenic for Familial cancer of breast. Last evaluated: 2023-10-25. Review status: criteria provided, single submitter. Criteria: Invitae Variant Classification Sherloc (09022015). Collection method: clinical testing. Allele origin: germline.
Comment: This variant is a gross deletion of the genomic region encompassing exon(s) 6-7 of the CHEK2 gene. This deletion is out-of-frame, and is expected to create a premature termination codon and result in an absent or disrupted protein product. Loss-of-function variants in CHEK2 are known to be pathogenic (PMID: 21876083, 24713400). A similar copy number variant has been observed in individual(s) with melanoma (PMID: 26681312). For these reasons, this variant has been classified as Pathogenic.

Literature cited by the submitters: PubMed 21876083; PubMed 24713400; PubMed 26681312.